The following is an entry in ClinVar:

NM_024989.4(PGAP1):c.2174T>A (p.Ile725Asn)

Gene: PGAP1 (post-GPI attachment to proteins inositol deacylase 1; minus strand). Cytogenetic location: 2q33.1.
Variant type: single nucleotide variant.
Coding change: c.2174T>A on transcript NM_024989.4 (MANE Select); coding-DNA position 2174, T replaced by A.
Protein change: p.Ile725Asn; replaces isoleucine 725 with asparagine.
Molecular consequence: missense variant.
Genome position (GRCh38, 1-based): chr2:196,845,994, A>T on the plus strand (T>A on the coding strand, the complement: PGAP1 is on the minus strand). VCF-style: chr2-196845994-A-T. GRCh37 (hg19) VCF-style: chr2-197710718-A-T.
Other names: c.1652T>A, p.Ile551Asn (NM_001321099.2); c.1007T>A, p.Ile336Asn (NM_001321100.2); short protein forms I336N, I551N, I725N.
Identifiers: ClinVar variation 1344451 (VCV001344451.9), dbSNP rs758283563, ClinGen allele CA2040695.

ClinVar aggregate classification (germline): Uncertain significance. Review status: criteria provided, multiple submitters, no conflicts (2 of 4 stars). 3 submissions from 3 submitters: Uncertain significance (3). Last evaluated 2022-10-17.

Conditions:
Inborn genetic diseases. Identifiers: MedGen C0950123, MeSH D030342.
Intellectual disability, autosomal recessive 42 (NEDDSBA). Also called: GLYCOSYLPHOSPHATIDYLINOSITOL BIOSYNTHESIS DEFECT 9; Neurodevelopmental disorder with dysmorphic features, spasticity, and brain abnormalities. Identifiers: Orphanet 88616, MedGen C4014343, MONDO:0014348, OMIM 615802.
Hereditary spastic paraplegia. Also called: Familial spastic paraparesis. Identifiers: Orphanet 685, MedGen C0037773, MONDO:0019064. Disease mechanism: loss of function.

Allele frequency attached by ClinVar (database versions not stated): ExAC 0.00001; gnomAD 0.00002 and 0.00003; gnomAD exomes 0.00002.
gnomAD v4.1: 18 of 1,598,098 alleles (0.0011%); highest among the groups gnomAD compares: South Asian, 0.0045%; no homozygotes.

Submissions (3):

Labcorp Genetics (formerly Invitae), Labcorp
Classification: Uncertain significance for Intellectual disability, autosomal recessive 42. Last evaluated: 2022-10-17. Review status: criteria provided, single submitter. Criteria: Invitae Variant Classification Sherloc (09022015). Collection method: clinical testing. Allele origin: germline.
Comment: In summary, the available evidence is currently insufficient to determine the role of this variant in disease. Therefore, it has been classified as a Variant of Uncertain Significance. Advanced modeling of protein sequence and biophysical properties (such as structural, functional, and spatial information, amino acid conservation, physicochemical variation, residue mobility, and thermodynamic stability) performed at Invitae indicates that this missense variant is not expected to disrupt PGAP1 protein function. ClinVar contains an entry for this variant (Variation ID: 1344451). This variant has not been reported in the literature in individuals affected with PGAP1-related conditions. This variant is present in population databases (rs758283563, gnomAD 0.003%). This sequence change replaces isoleucine, which is neutral and non-polar, with asparagine, which is neutral and polar, at codon 725 of the PGAP1 protein (p.Ile725Asn).

Ambry Genetics
Classification: Uncertain significance for Inborn genetic diseases. Last evaluated: 2021-08-02. Review status: criteria provided, single submitter. Criteria: Ambry Variant Classification Scheme 2023. Collection method: clinical testing. Allele origin: germline.

Genome Diagnostics Laboratory, The Hospital for Sick Children
Classification: Uncertain significance for Hereditary spastic paraplegia. Last evaluated: 2018-10-01. Review status: criteria provided, single submitter. Criteria: ACMG Guidelines, 2015. Collection method: clinical testing. Allele origin: germline. Affected: yes.